The following is an entry in ClinVar:

ClinVar aggregate classification (germline): Uncertain significance. Review status: criteria provided, multiple submitters, no conflicts (2 of 4 stars). 3 submissions from 3 submitters: Uncertain significance (3). Last evaluated 2026-01-20.

Conditions:
Myofibrillar myopathy 6. Identifiers: Orphanet 199340, MedGen C2751831, MONDO:0013061, OMIM 612954.
Dilated cardiomyopathy 1HH (CMD1HH). Identifiers: Orphanet 154, MedGen C3151293, MONDO:0013479, OMIM 613881.
Cardiovascular phenotype. Identifiers: MedGen CN230736.

Allele frequency attached by ClinVar (database versions not stated): ExAC 0.00003; gnomAD 0.00004; gnomAD exomes 0.00004; TOPMed 0.00013.

Submissions (3):

Labcorp Genetics (formerly Invitae), Labcorp
Classification: Uncertain significance for Dilated cardiomyopathy 1HH; Myofibrillar myopathy 6. Last evaluated: 2026-01-20. Review status: criteria provided, single submitter. Criteria: Invitae Variant Classification Sherloc (09022015). Collection method: clinical testing. Allele origin: germline.
Comment: This sequence change replaces arginine, which is basic and polar, with tryptophan, which is neutral and slightly polar, at codon 106 of the BAG3 protein (p.Arg106Trp). This variant is present in population databases (rs767341152, gnomAD 0.02%). This variant has not been reported in the literature in individuals affected with BAG3-related conditions. ClinVar contains an entry for this variant (Variation ID: 577609). Invitae Evidence Modeling of protein sequence and biophysical properties (such as structural, functional, and spatial information, amino acid conservation, physicochemical variation, residue mobility, and thermodynamic stability) indicates that this missense variant is not expected to disrupt BAG3 protein function with a negative predictive value of 80%. In summary, the available evidence is currently insufficient to determine the role of this variant in disease. Therefore, it has been classified as a Variant of Uncertain Significance.

GeneDx
Classification: Uncertain significance. Last evaluated: 2025-06-06. Review status: criteria provided, single submitter. Criteria: GeneDx Variant Classification Process June 2021. Collection method: clinical testing. Allele origin: germline.
Comment: In silico analysis supports that this missense variant has a deleterious effect on protein structure/function; Has not been previously published as pathogenic or benign to our knowledge

Ambry Genetics
Classification: Uncertain significance for Cardiovascular phenotype. Last evaluated: 2024-07-17. Review status: criteria provided, single submitter. Criteria: Ambry Variant Classification Scheme 2023. Collection method: clinical testing. Allele origin: germline.
Comment: The p.R106W variant (also known as c.316C>T), located in coding exon 2 of the BAG3 gene, results from a C to T substitution at nucleotide position 316. The arginine at codon 106 is replaced by tryptophan, an amino acid with dissimilar properties. This amino acid position is well conserved in available vertebrate species. In addition, the in silico prediction for this alteration is inconclusive. Since supporting evidence is limited at this time, the clinical significance of this alteration remains unclear.

NM_004281.4(BAG3):c.316C>T (p.Arg106Trp)

Gene: BAG3 (BAG cochaperone 3; plus strand). Cytogenetic location: 10q26.11.
Variant type: single nucleotide variant.
Coding change: c.316C>T on transcript NM_004281.4 (MANE Select); coding-DNA position 316, C replaced by T.
Protein change: p.Arg106Trp; replaces arginine 106 with tryptophan.
Molecular consequence: missense variant.
Genome position (GRCh38, 1-based): chr10:119,669,986, C>T. VCF-style: chr10-119669986-C-T. GRCh37 (hg19) VCF-style: chr10-121429498-C-T.
Other names: short protein forms R106W.
Identifiers: ClinVar variation 577609 (VCV000577609.14), dbSNP rs767341152, ClinGen allele CA5716289.